The following is an entry in ClinVar:

NM_000417.3(IL2RA):c.818A>C (p.Ter273Ser)

Gene: IL2RA (interleukin 2 receptor subunit alpha; minus strand). Cytogenetic location: 10p15.1.
Variant type: single nucleotide variant.
Coding change: c.818A>C on transcript NM_000417.3 (MANE Select); coding-DNA position 818, A replaced by C.
Protein change: p.Ter273Ser.
Molecular consequence: stop lost.
Genome position (GRCh38, 1-based): chr10:6,012,873, T>G on the plus strand (A>C on the coding strand, the complement: IL2RA is on the minus strand). VCF-style: chr10-6012873-T-G. GRCh37 (hg19) VCF-style: chr10-6054836-T-G.
Other names: c.602A>C, p.Ter201Ser (NM_001308242.2); c.530A>C, p.Ter177Ser (NM_001308243.2).
Identifiers: ClinVar variation 1949553 (VCV001949553.2), dbSNP rs1839210809, ClinGen allele CA375923056.

ClinVar aggregate classification (germline): Uncertain significance (1 of 4 stars; one submission).

Conditions:
Immunodeficiency due to CD25 deficiency. Also called: CD25 DEFICIENCY; IMMUNODEFICIENCY 41 WITH LYMPHOPROLIFERATION AND AUTOIMMUNITY; IL2RA DEFICIENCY. Identifiers: Orphanet 169100, MedGen C1853392, MONDO:0011664, OMIM 606367.

Allele frequency attached by ClinVar (database versions not stated): gnomAD exomes below 0.00001; TOPMed below 0.00001.
gnomAD v4.1: 1 of 1,614,018 alleles (0.000062%); highest among the groups gnomAD compares: Admixed American, 0.0017%; no homozygotes.

Submission:

Labcorp Genetics (formerly Invitae), Labcorp
Classification: Uncertain significance for Immunodeficiency due to CD25 deficiency. Last evaluated: 2022-02-20. Review status: criteria provided, single submitter. Criteria: Invitae Variant Classification Sherloc (09022015). Collection method: clinical testing. Allele origin: germline.
Comment: This sequence change disrupts the translational stop signal of the IL2RA mRNA. It is expected to extend the length of the IL2RA protein by 10 additional amino acid residues. This variant is not present in population databases (gnomAD no frequency). This variant has not been reported in the literature in individuals affected with IL2RA-related conditions. In summary, the available evidence is currently insufficient to determine the role of this variant in disease. Therefore, it has been classified as a Variant of Uncertain Significance.